The following is an entry in ClinVar:

NM_020779.4(WDR35):c.837G>C (p.Gln279His)

Gene: WDR35 (WD repeat domain 35; minus strand). Cytogenetic location: 2p24.1.
Variant type: single nucleotide variant.
Coding change: c.837G>C on transcript NM_020779.4 (MANE Select); coding-DNA position 837, G replaced by C.
Protein change: p.Gln279His; replaces glutamine 279 with histidine.
Molecular consequence: missense variant.
Genome position (GRCh38, 1-based): chr2:19,973,608, C>G on the plus strand (G>C on the coding strand, the complement: WDR35 is on the minus strand). VCF-style: chr2-19973608-C-G. GRCh37 (hg19) VCF-style: chr2-20173369-C-G.
Other names: c.837G>C, p.Gln279His (NM_001006657.2); short protein forms Q279H.
Identifiers: ClinVar variation 1482707 (VCV001482707.8), dbSNP rs764069624, ClinGen allele CA345946809.

ClinVar aggregate classification (germline): Uncertain significance (1 of 4 stars; one submission).

Conditions:
Short-rib thoracic dysplasia 7 with or without polydactyly (SRTD7). Also called: Short rib polydactyly syndrome 5; SHORT-RIB THORACIC DYSPLASIA 7 WITH POLYDACTYLY. Identifiers: Orphanet 498497, Orphanet 93271, MedGen C3279792, MONDO:0013569, OMIM 614091.
Cranioectodermal dysplasia 2 (CED2). Identifiers: Orphanet 1515, MedGen C3150874, MONDO:0013323, OMIM 613610.

Submission:

Labcorp Genetics (formerly Invitae), Labcorp
Classification: Uncertain significance for Cranioectodermal dysplasia 2; Short-rib thoracic dysplasia 7 with or without polydactyly. Last evaluated: 2021-04-20. Review status: criteria provided, single submitter. Criteria: Invitae Variant Classification Sherloc (09022015). Collection method: clinical testing. Allele origin: germline.
Comment: In summary, the available evidence is currently insufficient to determine the role of this variant in disease. Therefore, it has been classified as a Variant of Uncertain Significance. Algorithms developed to predict the effect of missense changes on protein structure and function (SIFT, PolyPhen-2, Align-GVGD) all suggest that this variant is likely to be tolerated, but these predictions have not been confirmed by published functional studies and their clinical significance is uncertain. This variant has not been reported in the literature in individuals with WDR35-related conditions. This variant is not present in population databases (ExAC no frequency). This sequence change replaces glutamine with histidine at codon 279 of the WDR35 protein (p.Gln279His). The glutamine residue is moderately conserved and there is a small physicochemical difference between glutamine and histidine.